The following is an entry in ClinVar:

ClinVar aggregate classification (germline): Uncertain significance (1 of 4 stars; one submission).

Conditions:
Bloom syndrome (BLM). Also called: Bloom-Torre-Machacek syndrome. Identifiers: Orphanet 125, MedGen C0005859, MONDO:0008876, OMIM 210900.

Submission:

Labcorp Genetics (formerly Invitae), Labcorp
Classification: Uncertain significance for Bloom syndrome. Last evaluated: 2019-12-11. Review status: criteria provided, single submitter. Criteria: Invitae Variant Classification Sherloc (09022015). Collection method: clinical testing. Allele origin: germline.
Comment: In summary, the available evidence is currently insufficient to determine the role of this variant in disease. Therefore, it has been classified as a Variant of Uncertain Significance. Algorithms developed to predict the effect of missense changes on protein structure and function (SIFT, PolyPhen-2, Align-GVGD) all suggest that this variant is likely to be tolerated, but these predictions have not been confirmed by published functional studies and their clinical significance is uncertain. This variant has not been reported in the literature in individuals with BLM-related conditions. This variant is not present in population databases (ExAC no frequency). This sequence change replaces lysine with threonine at codon 653 of the BLM protein (p.Lys653Thr). The lysine residue is moderately conserved and there is a moderate physicochemical difference between lysine and threonine.

NM_000057.4(BLM):c.1958A>C (p.Lys653Thr)

Gene: BLM (BLM RecQ like helicase; plus strand). Cytogenetic location: 15q26.1.
Variant type: single nucleotide variant.
Coding change: c.1958A>C on transcript NM_000057.4 (MANE Select); coding-DNA position 1958, A replaced by C.
Protein change: p.Lys653Thr; replaces lysine 653 with threonine.
Molecular consequence: missense variant.
Genome position (GRCh38, 1-based): chr15:90,763,041, A>C. VCF-style: chr15-90763041-A-C. GRCh37 (hg19) VCF-style: chr15-91306271-A-C.
Other names: c.1958A>C, p.Lys653Thr (NM_001287246.2, NM_001287247.2); c.833A>C, p.Lys278Thr (NM_001287248.2); short protein forms K278T, K653T.
Identifiers: ClinVar variation 854133 (VCV000854133.12), dbSNP rs1896028357, ClinGen allele CA393844225.